The following is an entry in ClinVar:

ClinVar aggregate classification (germline): Conflicting classifications of pathogenicity. Review status: criteria provided, conflicting classifications (1 of 4 stars). 4 submissions from 4 submitters: Uncertain significance (1); Benign (1); Likely benign (2). Last evaluated 2026-01-13.

Conditions:
Inborn genetic diseases. Identifiers: MedGen C0950123, MeSH D030342.
Cortical dysplasia-focal epilepsy syndrome (PTHSL1). Also called: Pitt-Hopkins-like syndrome 1. Identifiers: Orphanet 163681, Orphanet 221150, MedGen C2750246, MONDO:0012400, OMIM 610042.

Allele frequency attached by ClinVar (database versions not stated): gnomAD exomes 0.00011 and 0.00027; TOPMed 0.00017; ExAC 0.00018; gnomAD 0.00018 and 0.00019; 1000 Genomes Project 0.00020; 1000 Genomes Project 30x 0.00031.
gnomAD v4.1: 198 of 1,613,424 alleles (0.012%); highest among the groups gnomAD compares: Admixed American, 0.022%; no homozygotes.

Submissions (4):

Labcorp Genetics (formerly Invitae), Labcorp
Classification: Likely benign for Cortical dysplasia-focal epilepsy syndrome. Last evaluated: 2026-01-13. Review status: criteria provided, single submitter. Criteria: Invitae Variant Classification Sherloc (09022015). Collection method: clinical testing. Allele origin: germline.

Illumina Laboratory Services, Illumina
Classification: Uncertain significance for Cortical dysplasia-focal epilepsy syndrome. Last evaluated: 2018-01-12. Review status: criteria provided, single submitter. Criteria: ICSL Variant Classification Criteria 13 December 2019. Collection method: clinical testing. Allele origin: germline.

Ambry Genetics
Classification: Likely benign for Inborn genetic diseases. Last evaluated: 2017-05-24. Review status: criteria provided, single submitter. Criteria: Ambry Variant Classification Scheme 2023. Collection method: clinical testing. Allele origin: germline.

GeneDx
Classification: Benign. Last evaluated: 2014-06-03. Review status: criteria provided, single submitter. Criteria: GeneDx Variant Classification (06012015). Collection method: clinical testing. Allele origin: germline. Affected: yes.
Comment: This variant is considered likely benign or benign based on one or more of the following criteria: it is a conservative change, it occurs at a poorly conserved position in the protein, it is predicted to be benign by multiple in silico algorithms, and/or has population frequency not consistent with disease.

NM_014141.6(CNTNAP2):c.561T>C (p.Val187=)

Gene: CNTNAP2 (contactin associated protein 2; plus strand). Cytogenetic location: 7q35.
Variant type: single nucleotide variant.
Coding change: c.561T>C on transcript NM_014141.6 (MANE Select); coding-DNA position 561, T replaced by C.
Protein change: p.Val187=; no amino-acid change (valine 187 retained).
Molecular consequence: synonymous variant.
Genome position (GRCh38, 1-based): chr7:147,108,157, T>C. VCF-style: chr7-147108157-T-C. GRCh37 (hg19) VCF-style: chr7-146805249-T-C.
Other names: p.V187V:GTT>GTC.
Identifiers: ClinVar variation 136839 (VCV000136839.22), dbSNP rs201200400, ClinGen allele CA290201.
Genomic context (GRCh38, chr7:147,108,157, plus strand): 5'-ATGGTAACATACATGGCTGAACTAATATGTTATTTTTTTTTTTGTTTTAGGGGCTGATGT[T>C]ATCAACTTTGATGGCCATGTTGTATTACCATATAGATTCAGAAACAAGAAGATGAAAACA-3'
Protein context (NP_054860.1, residues 177-197): EVYGCSYWAD[Val187=]INFDGHVVLP